The following is an entry in ClinVar:

ClinVar aggregate classification (germline): Uncertain significance. Review status: criteria provided, multiple submitters, no conflicts (2 of 4 stars). 2 submissions from 2 submitters: Uncertain significance (2). Last evaluated 2023-10-26.

Conditions:
Cardiovascular phenotype. Identifiers: MedGen CN230736.
Sitosterolemia 2. Identifiers: MedGen C5231453, MONDO:0020748, OMIM 618666.

Allele frequency attached by ClinVar (database versions not stated): TOPMed 0.00001; gnomAD exomes below 0.00001.
gnomAD v4.1: 7 of 1,614,176 alleles (0.00043%); highest among the groups gnomAD compares: Non-Finnish European, 0.00059%; no homozygotes.

Submissions (2):

Ambry Genetics
Classification: Uncertain significance for Cardiovascular phenotype. Last evaluated: 2023-10-26. Review status: criteria provided, single submitter. Criteria: Ambry Variant Classification Scheme 2023. Collection method: clinical testing. Allele origin: germline.
Comment: The p.I529T variant (also known as c.1586T>C), located in coding exon 11 of the ABCG5 gene, results from a T to C substitution at nucleotide position 1586. The isoleucine at codon 529 is replaced by threonine, an amino acid with similar properties. This amino acid position is conserved. In addition, this alteration is predicted to be tolerated by in silico analysis. Since supporting evidence is limited at this time, the clinical significance of this alteration remains unclear.

Revvity Omics, Revvity
Classification: Uncertain significance for Sitosterolemia 2. Last evaluated: 2023-05-24. Review status: criteria provided, single submitter. Criteria: ACMG Guidelines, 2015. Collection method: clinical testing. Allele origin: germline.

NM_022436.3(ABCG5):c.1586T>C (p.Ile529Thr)

Genes: ABCG5 (ATP binding cassette subfamily G member 5; minus strand), DYNC2LI1 (dynein cytoplasmic 2 light intermediate chain 1; plus strand). Cytogenetic location: 2p21.
Variant type: single nucleotide variant.
Coding change: c.1586T>C on transcript NM_022436.3 (MANE Select); coding-DNA position 1586, T replaced by C.
Protein change: p.Ile529Thr; replaces isoleucine 529 with threonine.
Molecular consequence: missense variant. On other transcripts: intron variant (2).
Genome position (GRCh38, 1-based): chr2:43,819,978, A>G on the plus strand (T>C on the coding strand, the complement: ABCG5 is on the minus strand). VCF-style: chr2-43819978-A-G. GRCh37 (hg19) VCF-style: chr2-44047117-A-G.
Other names: c.*16-7408A>G (NM_001348913.2, NM_001348912.2); c.1586T>C (NM_022436.2); short protein forms I529T.
Identifiers: ClinVar variation 2690815 (VCV002690815.3), dbSNP rs986503686, ClinGen allele CA46454964.